The following is an entry in ClinVar:

NM_152305.3(POGLUT1):c.211G>A (p.Gly71Ser)

Gene: POGLUT1 (protein O-glucosyltransferase 1; plus strand). Cytogenetic location: 3q13.33.
Variant type: single nucleotide variant.
Coding change: c.211G>A on transcript NM_152305.3 (MANE Select); coding-DNA position 211, G replaced by A.
Protein change: p.Gly71Ser; replaces glycine 71 with serine.
Molecular consequence: missense variant. On other transcripts: non-coding transcript variant (1).
Genome position (GRCh38, 1-based): chr3:119,471,343, G>A. VCF-style: chr3-119471343-G-A. GRCh37 (hg19) VCF-style: chr3-119190190-G-A.
Other names: short protein forms G71S.
Identifiers: ClinVar variation 972944 (VCV000972944.10), dbSNP rs1001425015, ClinGen allele CA81691979.

ClinVar aggregate classification (germline): Uncertain significance. Review status: criteria provided, multiple submitters, no conflicts (2 of 4 stars). 2 submissions from 2 submitters: Uncertain significance (2). Last evaluated 2025-08-29.

Conditions:
Inborn genetic diseases. Identifiers: MedGen C0950123, MeSH D030342.

Allele frequency attached by ClinVar (database versions not stated): gnomAD exomes below 0.00001 and 0.00001; gnomAD 0.00003; TOPMed 0.00003.
gnomAD v4.1: 7 of 1,613,710 alleles (0.00043%); highest among the groups gnomAD compares: Non-Finnish European, 0.00051%; 1 homozygote.

Submissions (2):

Ambry Genetics
Classification: Uncertain significance for Inborn genetic diseases. Last evaluated: 2025-08-29. Review status: criteria provided, single submitter. Criteria: Ambry Variant Classification Scheme 2023. Collection method: clinical testing. Allele origin: germline.

Labcorp Genetics (formerly Invitae), Labcorp
Classification: Uncertain significance. Last evaluated: 2025-08-06. Review status: criteria provided, single submitter. Criteria: Invitae Variant Classification Sherloc (09022015). Collection method: clinical testing. Allele origin: germline.
Comment: This sequence change replaces glycine, which is neutral and non-polar, with serine, which is neutral and polar, at codon 71 of the POGLUT1 protein (p.Gly71Ser). This variant is present in population databases (no rsID available, gnomAD 0.002%). This variant has not been reported in the literature in individuals affected with POGLUT1-related conditions. ClinVar contains an entry for this variant (Variation ID: 972944). Invitae Evidence Modeling of protein sequence and biophysical properties (such as structural, functional, and spatial information, amino acid conservation, physicochemical variation, residue mobility, and thermodynamic stability) indicates that this missense variant is not expected to disrupt POGLUT1 protein function with a negative predictive value of 80%. In summary, the available evidence is currently insufficient to determine the role of this variant in disease. Therefore, it has been classified as a Variant of Uncertain Significance.